The following is an entry in ClinVar:

NM_001170629.2(CHD8):c.5272C>T (p.Arg1758Cys)

Gene: CHD8 (chromodomain helicase DNA binding protein 8; minus strand). Cytogenetic location: 14q11.2.
Variant type: single nucleotide variant.
Coding change: c.5272C>T on transcript NM_001170629.2 (MANE Select); coding-DNA position 5272, C replaced by T.
Protein change: p.Arg1758Cys; replaces arginine 1758 with cysteine.
Molecular consequence: missense variant.
Genome position (GRCh38, 1-based): chr14:21,395,030, G>A on the plus strand (C>T on the coding strand, the complement: CHD8 is on the minus strand). VCF-style: chr14-21395030-G-A. GRCh37 (hg19) VCF-style: chr14-21863189-G-A.
Other names: c.4435C>T, p.Arg1479Cys (NM_020920.4); short protein forms R1479C, R1758C.
Identifiers: ClinVar variation 2428338 (VCV002428338.6), dbSNP rs1338836708, ClinGen allele CA388884132.

ClinVar aggregate classification (germline): Uncertain significance (1 of 4 stars; one submission).

Allele frequency attached by ClinVar (database versions not stated): gnomAD exomes below 0.00001; gnomAD 0.00001.
gnomAD v4.1: 6 of 1,613,888 alleles (0.00037%); highest among the groups gnomAD compares: East Asian, 0.0022%; no homozygotes.

Submission:

Labcorp Genetics (formerly Invitae), Labcorp
Classification: Uncertain significance. Last evaluated: 2022-05-16. Review status: criteria provided, single submitter. Criteria: Invitae Variant Classification Sherloc (09022015). Collection method: clinical testing. Allele origin: germline.
Comment: This variant is present in population databases (no rsID available, gnomAD 0.006%). This sequence change replaces arginine, which is basic and polar, with cysteine, which is neutral and slightly polar, at codon 1758 of the CHD8 protein (p.Arg1758Cys). This variant has not been reported in the literature in individuals affected with CHD8-related conditions. In summary, the available evidence is currently insufficient to determine the role of this variant in disease. Therefore, it has been classified as a Variant of Uncertain Significance. Algorithms developed to predict the effect of missense changes on protein structure and function are either unavailable or do not agree on the potential impact of this missense change (SIFT: "Deleterious"; PolyPhen-2: "Probably Damaging"; Align-GVGD: "Class C0").